The following is an entry in ClinVar:

ClinVar aggregate classification (germline): Conflicting classifications of pathogenicity. Review status: criteria provided, conflicting classifications (1 of 4 stars). 3 submissions from 3 submitters: Likely pathogenic (2); Benign (1). Last evaluated 2025-11-08.

Conditions:
CEP164-related disorder. Also called: CEP164-related condition.
Nephronophthisis 15 (NPHP15). Identifiers: Orphanet 3156, MedGen C3541853, MONDO:0013917, OMIM 614845.

Submissions (3):

Labcorp Genetics (formerly Invitae), Labcorp
Classification: Benign for Nephronophthisis 15. Last evaluated: 2025-11-08. Review status: criteria provided, single submitter. Criteria: Invitae Variant Classification Sherloc (09022015). Collection method: clinical testing. Allele origin: germline.

PreventionGenetics, part of Exact Sciences
Classification: Likely pathogenic for CEP164-related condition. Last evaluated: 2025-07-09. Review status: criteria provided, single submitter. Criteria: ACMG Guidelines, 2015. Collection method: clinical testing. Allele origin: germline.
Comment: The CEP164 c.347dupA variant is predicted to result in a frameshift and premature protein termination (p.Glu117Glyfs*88). To our knowledge, this variant has not been reported in the literature. This variant is reported in 3.1% of alleles in individuals of South Asian descent in gnomAD, however this variant is found in a low complexity region and the allele frequency may not be reliable (gnomAD). Frameshift variants in CEP164 are expected to be pathogenic. This variant is interpreted as likely pathogenic.

Neuberg Centre For Genomic Medicine, NCGM
Classification: Likely pathogenic for Nephronophthisis 15. Review status: criteria provided, single submitter. Criteria: ACMG Guidelines, 2015. Collection method: clinical testing. Allele origin: germline. Inheritance: Autosomal recessive inheritance. Affected: yes.
Comment: The frame shift (p.Glu117GlyfsTer88) variant has not been reported previously as a pathogenic variant nor as a benign variant, to our knowledge. The p.Glu117GlyfsTer88 variant is novel (not in any individuals) in 1000 Genomes and has allele frequency of 2.18% in gnomAD database. This variant has not been reported to the ClinVar database. This variant causes a frameshift starting with codon Glutamic Acid 117, changes this amino acid to Glycine residue, and creates a premature Stop codon at position 88 of the new reading frame, denoted p.Glu117GlyfsTer88. For these reasons, this variant has been classified as Likely Pathogenic. In the absence of another reportable variant the molecular diagnosis is not confirmed.

NM_014956.5(CEP164):c.347dup (p.Glu117fs)

Gene: CEP164 (centrosomal protein 164; plus strand). Cytogenetic location: 11q23.3.
Variant type: Duplication.
Coding change: c.347dup on transcript NM_014956.5 (MANE Select); coding-DNA position 347, one base duplicated (A; older notation c.347dupA).
Protein change: p.Glu117fs; shifts the reading frame from glutamic acid 117.
Molecular consequence: frameshift variant.
Genome position (GRCh38, 1-based): chr11:117,351,942, A duplicated; the last of 11 consecutive A bases (chr11:117,351,932-117,351,942); duplicating any one gives the same sequence. VCF-style (leftmost placement, unchanged base first): chr11-117351931-G-GA. GRCh37 (hg19) VCF-style: chr11-117222647-G-GA.
Other names: c.347dup, p.Glu117fs (NM_001271933.2); c.347dupA (NM_014956.4); short protein forms E117fs.
Identifiers: ClinVar variation 2585478 (VCV002585478.6), dbSNP rs751277203, ClinGen allele CA6294400.